The following is an entry in ClinVar:

NM_017841.4(SDHAF2):c.53G>A (p.Arg18Lys)

Gene: SDHAF2 (succinate dehydrogenase complex assembly factor 2; plus strand). Cytogenetic location: 11q12.2.
Variant type: single nucleotide variant.
Coding change: c.53G>A on transcript NM_017841.4 (MANE Select); coding-DNA position 53, G replaced by A.
Protein change: p.Arg18Lys; replaces arginine 18 with lysine.
Molecular consequence: missense variant.
Genome position (GRCh38, 1-based): chr11:61,437,641, G>A. VCF-style: chr11-61437641-G-A. GRCh37 (hg19) VCF-style: chr11-61205113-G-A.
Other names: short protein forms R18K.
Identifiers: ClinVar variation 1039122 (VCV001039122.8), dbSNP rs1862009340, ClinGen allele CA380682801.

ClinVar aggregate classification (germline): Uncertain significance (1 of 4 stars; one submission).

Conditions:
Hereditary pheochromocytoma and paraganglioma. Also called: Hereditary pheochromocytoma-paraganglioma; Hereditary Paraganglioma-Pheochromocytoma Syndromes; Hereditary paragangliomas and pheochromocytomas. Identifiers: Orphanet 29072, MedGen C4274332, MONDO:0017366.

Submission:

Labcorp Genetics (formerly Invitae), Labcorp
Classification: Uncertain significance for Hereditary pheochromocytoma and paraganglioma. Last evaluated: 2020-01-24. Review status: criteria provided, single submitter. Criteria: Invitae Variant Classification Sherloc (09022015). Collection method: clinical testing. Allele origin: germline.
Comment: In summary, the available evidence is currently insufficient to determine the role of this variant in disease. Therefore, it has been classified as a Variant of Uncertain Significance. Algorithms developed to predict the effect of sequence changes on RNA splicing suggest that this variant may create or strengthen a splice site, but this prediction has not been confirmed by published transcriptional studies. Algorithms developed to predict the effect of missense changes on protein structure and function output the following: SIFT: "Tolerated"; PolyPhen-2: "Benign"; Align-GVGD: "Class C0". The lysine amino acid residue is found in multiple mammalian species, suggesting that this missense change does not adversely affect protein function. These predictions have not been confirmed by published functional studies and their clinical significance is uncertain. This variant has not been reported in the literature in individuals with SDHAF2-related conditions. This variant is not present in population databases (ExAC no frequency). This sequence change replaces arginine with lysine at codon 18 of the SDHAF2 protein (p.Arg18Lys). The arginine residue is weakly conserved and there is a small physicochemical difference between arginine and lysine.